The following is an entry in ClinVar:

ClinVar aggregate classification (germline): Uncertain significance (1 of 4 stars; one submission).

Conditions:
Nemaline myopathy 2 (NEM2). Also called: Nemaline myopathy 2, autosomal recessive. Identifiers: MedGen C1850569, MONDO:0009725, OMIM 256030.

Allele frequency attached by ClinVar (database versions not stated): gnomAD exomes 0.00001.
gnomAD v4.1: 6 of 1,613,956 alleles (0.00037%); highest among the groups gnomAD compares: Non-Finnish European, 0.00051%; no homozygotes.

Submission:

Labcorp Genetics (formerly Invitae), Labcorp
Classification: Uncertain significance for Nemaline myopathy 2. Last evaluated: 2022-02-24. Review status: criteria provided, single submitter. Criteria: Invitae Variant Classification Sherloc (09022015). Collection method: clinical testing. Allele origin: germline.
Comment: This sequence change replaces glutamic acid, which is acidic and polar, with lysine, which is basic and polar, at codon 686 of the NEB protein (p.Glu686Lys). This variant is not present in population databases (gnomAD no frequency). This variant has not been reported in the literature in individuals affected with NEB-related conditions. Algorithms developed to predict the effect of missense changes on protein structure and function are either unavailable or do not agree on the potential impact of this missense change (SIFT: "Deleterious"; PolyPhen-2: "Not Available"; Align-GVGD: "Class C0"). In summary, the available evidence is currently insufficient to determine the role of this variant in disease. Therefore, it has been classified as a Variant of Uncertain Significance.

NM_001164508.2(NEB):c.2056G>A (p.Glu686Lys)

Gene: NEB (nebulin; minus strand). Cytogenetic location: 2q23.3.
Variant type: single nucleotide variant.
Coding change: c.2056G>A on transcript NM_001164508.2 (MANE Select); coding-DNA position 2056, G replaced by A.
Protein change: p.Glu686Lys; replaces glutamic acid 686 with lysine.
Molecular consequence: missense variant.
Genome position (GRCh38, 1-based): chr2:151,692,109, C>T on the plus strand (G>A on the coding strand, the complement: NEB is on the minus strand). VCF-style: chr2-151692109-C-T. GRCh37 (hg19) VCF-style: chr2-152548623-C-T.
Other names: c.2056G>A, p.Glu686Lys (NM_001164507.2, NM_001271208.2, NM_004543.5); short protein forms E686K.
Identifiers: ClinVar variation 1972748 (VCV001972748.2), dbSNP rs2552267831, ClinGen allele CA348823895.